The following is an entry in ClinVar:

ClinVar aggregate classification (germline): Uncertain significance (1 of 4 stars; one submission).

Submission:

GeneDx
Classification: Uncertain significance. Last evaluated: 2025-07-30. Review status: criteria provided, single submitter. Criteria: GeneDx Variant Classification Process June 2021. Collection method: clinical testing. Allele origin: germline. Affected: yes.
Comment: Not observed at significant frequency in large population cohorts (gnomAD); In silico analysis supports that this missense variant has a deleterious effect on protein structure/function; Has not been previously published as pathogenic or benign to our knowledge

NM_014974.3(DIP2C):c.1892G>A (p.Cys631Tyr)

Gene: DIP2C (DIP2 acetate--CoA ligase C (putative); minus strand). Cytogenetic location: 10p15.3.
Variant type: single nucleotide variant.
Coding change: c.1892G>A on transcript NM_014974.3 (MANE Select); coding-DNA position 1892, G replaced by A.
Protein change: p.Cys631Tyr; replaces cysteine 631 with tyrosine.
Molecular consequence: missense variant.
Genome position (GRCh38, 1-based): chr10:382,746, C>T on the plus strand (G>A on the coding strand, the complement: DIP2C is on the minus strand). VCF-style: chr10-382746-C-T. GRCh37 (hg19) VCF-style: chr10-428686-C-T.
Other names: short protein forms C631Y.
Identifiers: ClinVar variation 4689851 (VCV004689851.1).